The following is an entry in ClinVar:

ClinVar aggregate classification (germline): Uncertain significance (1 of 4 stars; one submission).

Allele frequency attached by ClinVar (database versions not stated): gnomAD exomes below 0.00001.
gnomAD v4.1: 1 of 1,613,930 alleles (0.000062%); highest among the groups gnomAD compares: Non-Finnish European, 0.000085%; no homozygotes.

Submission:

GeneDx
Classification: Uncertain significance. Last evaluated: 2019-07-29. Review status: criteria provided, single submitter. Criteria: GeneDx Variant Classification Process June 2021. Collection method: clinical testing. Allele origin: germline. Affected: yes.
Comment: Not observed in large population cohorts (Lek et al., 2016); In silico analysis, which includes protein predictors and evolutionary conservation, supports a deleterious effect; Has not been previously published as pathogenic or benign to our knowledge

NM_130837.3(OPA1):c.2084C>T (p.Ala695Val)

Gene: OPA1 (OPA1 mitochondrial dynamin like GTPase; plus strand). Cytogenetic location: 3q29.
Variant type: single nucleotide variant.
Coding change: c.2084C>T on transcript NM_130837.3 (MANE Select); coding-DNA position 2084, C replaced by T.
Protein change: p.Ala695Val; replaces alanine 695 with valine.
Molecular consequence: missense variant.
Genome position (GRCh38, 1-based): chr3:193,654,933, C>T. VCF-style: chr3-193654933-C-T. GRCh37 (hg19) VCF-style: chr3-193372722-C-T.
Other names: c.1550C>T, p.Ala517Val (NM_001354663.2); c.1547C>T, p.Ala516Val (NM_001354664.2); c.1919C>T, p.Ala640Val (NM_015560.3); c.1811C>T, p.Ala604Val (NM_130831.3); c.1865C>T, p.Ala622Val (NM_130832.3); c.1922C>T, p.Ala641Val (NM_130833.3); c.1973C>T, p.Ala658Val (NM_130834.3); c.1976C>T, p.Ala659Val (NM_130835.3); and 1 more; short protein forms A516V, A517V, A604V, A622V, A640V, A641V, A658V, A659V.
Identifiers: ClinVar variation 1315818 (VCV001315818.2), dbSNP rs2109139144, ClinGen allele CA355791126.
Genomic context (GRCh38, chr3:193,654,933, plus strand): 5'-TTCAACAATCTTTGTGGGAAAGAGTATCAACTCATGTGATTGAAAACATCTACCTTCCAG[C>T]TGCGCAGACCATGAATTCAGGAACTTTTAACACCACAGTGGATATCAAGCTTAAACAGTG-3'
Protein context (NP_570850.2, residues 685-705): THVIENIYLP[Ala695Val]AQTMNSGTFN